The following is an entry in ClinVar:

ClinVar aggregate classification (germline): Uncertain significance. Review status: criteria provided, multiple submitters, no conflicts (2 of 4 stars). 2 submissions from 2 submitters: Uncertain significance (2). Last evaluated 2025-05-19.

gnomAD v4.1: 23 of 1,613,576 alleles (0.0014%); highest among the groups gnomAD compares: African/African-American, 0.028%; no homozygotes.

Submissions (2):

Women's Health and Genetics/Laboratory Corporation of America, LabCorp
Classification: Uncertain significance. Last evaluated: 2025-05-19. Review status: criteria provided, single submitter. Criteria: LabCorp Variant Classification Summary - May 2015. Collection method: clinical testing. Allele origin: germline.
Comment: Variant summary: PLA2G7 c.179A>T (p.Asn60Ile) results in a non-conservative amino acid change in the encoded protein sequence. Algorithms developed to predict the effect of missense changes on protein structure and function are either unavailable or do not agree on the potential impact of this missense change. The variant allele was found at a frequency of 1.6e-05 in 251422 control chromosomes. The available data on variant occurrences in the general population are insufficient to allow any conclusion about variant significance. To our knowledge, no occurrence of c.179A>T in individuals affected with Platelet-Activating Factor Acetylhydrolase Deficiency and no experimental evidence demonstrating its impact on protein function have been reported. ClinVar contains an entry for this variant (Variation ID: 3419774). Based on the evidence outlined above, the variant was classified as uncertain significance.

Ambry Genetics
Classification: Uncertain significance. Last evaluated: 2024-10-21. Review status: criteria provided, single submitter. Criteria: Ambry Variant Classification Scheme 2023. Collection method: clinical testing. Allele origin: germline.

NM_005084.4(PLA2G7):c.179A>T (p.Asn60Ile)

Gene: PLA2G7 (phospholipase A2 group VII; minus strand). Cytogenetic location: 6p12.3.
Variant type: single nucleotide variant.
Coding change: c.179A>T on transcript NM_005084.4 (MANE Select); coding-DNA position 179, A replaced by T.
Protein change: p.Asn60Ile; replaces asparagine 60 with isoleucine.
Molecular consequence: missense variant.
Genome position (GRCh38, 1-based): chr6:46,717,027, T>A on the plus strand (A>T on the coding strand, the complement: PLA2G7 is on the minus strand). VCF-style: chr6-46717027-T-A. GRCh37 (hg19) VCF-style: chr6-46684764-T-A.
Other names: c.179A>T, p.Asn60Ile (NM_001168357.2); short protein forms N60I.
Identifiers: ClinVar variation 3419774 (VCV003419774.2).